The following is an entry in ClinVar:

NM_015978.3(TNNI3K):c.2121+5G>C

Genes: FPGT-TNNI3K (FPGT-TNNI3K readthrough; plus strand), TNNI3K (TNNI3 interacting kinase; plus strand). Cytogenetic location: 1p31.1.
Variant type: single nucleotide variant.
Coding change: c.2121+5G>C on transcript NM_015978.3 (MANE Select); 5 bases into the intron after coding-DNA position 2121, G replaced by C.
Molecular consequence: intron variant.
Genome position (GRCh38, 1-based): chr1:74,463,555, G>C. VCF-style: chr1-74463555-G-C. GRCh37 (hg19) VCF-style: chr1-74929239-G-C.
Other names: c.2424+5G>C (NM_001112808.3, NM_001199327.2).
Identifiers: ClinVar variation 2993969 (VCV002993969.3), dbSNP rs769510695, ClinGen allele CA909593.

ClinVar aggregate classification (germline): Uncertain significance (1 of 4 stars; one submission).

Allele frequency attached by ClinVar (database versions not stated): ExAC 0.00002.
gnomAD v4.1: 5 of 1,613,960 alleles (0.00031%); highest among the groups gnomAD compares: Admixed American, 0.0083%; 1 homozygote.

Submission:

Labcorp Genetics (formerly Invitae), Labcorp
Classification: Uncertain significance. Last evaluated: 2024-08-06. Review status: criteria provided, single submitter. Criteria: Invitae Variant Classification Sherloc (09022015). Collection method: clinical testing. Allele origin: germline.
Comment: This sequence change falls in intron 21 of the TNNI3K gene. It does not directly change the encoded amino acid sequence of the TNNI3K protein. It affects a nucleotide within the consensus splice site. This variant is present in population databases (rs769510695, gnomAD 0.01%), including at least one homozygous and/or hemizygous individual. This variant has not been reported in the literature in individuals affected with TNNI3K-related conditions. Variants that disrupt the consensus splice site are a relatively common cause of aberrant splicing (PMID: 17576681, 9536098). Algorithms developed to predict the effect of sequence changes on RNA splicing suggest that this variant may disrupt the consensus splice site. In summary, the available evidence is currently insufficient to determine the role of this variant in disease. Therefore, it has been classified as a Variant of Uncertain Significance.

Literature cited by the submitters: PubMed 17576681; PubMed 9536098.